The following is an entry in ClinVar:

NM_001267550.2(TTN):c.102223C>G (p.Gln34075Glu)

Genes: TTN (titin; minus strand), TTN-AS1 (TTN antisense RNA 1; plus strand). Cytogenetic location: 2q31.2.
Variant type: single nucleotide variant.
Coding change: c.102223C>G on transcript NM_001267550.2 (MANE Select); coding-DNA position 102223, C replaced by G.
Protein change: p.Gln34075Glu; replaces glutamine 34075 with glutamic acid.
Molecular consequence: missense variant.
Genome position (GRCh38, 1-based): chr2:178,534,392, G>C on the plus strand (C>G on the coding strand, the complement: TTN is on the minus strand). VCF-style: chr2-178534392-G-C. GRCh37 (hg19) VCF-style: chr2-179399119-G-C.
Other names: c.97300C>G, p.Gln32434Glu (NM_001256850.1); c.75028C>G, p.Gln25010Glu (NM_003319.4); c.94519C>G, p.Gln31507Glu (NM_133378.4); c.75403C>G, p.Gln25135Glu (NM_133432.3); c.75604C>G, p.Gln25202Glu (NM_133437.4); short protein forms Q25010E, Q25135E, Q25202E, Q31507E, Q32434E, Q34075E.
Identifiers: ClinVar variation 3762749 (VCV003762749.2).
Genomic context (GRCh38, chr2:178,534,392, plus strand): 5'-GGTAATAACGCCGGTGTTTTAATGTTCTGATAACTTTAGTACTGACTCTTTCTATCTTCT[G>C]CTTCAACCATGGGTGCTGGAGAGCCTCCGATGCTGTCATGCGAGATTTCCTCTCTTTCAC-3'
Protein context (NP_001254479.2, residues 34065-34085): SEALQHPWLK[Gln34075Glu]KIERVSTKVI

ClinVar aggregate classification (germline): Uncertain significance (1 of 4 stars; one submission).

Conditions:
Autosomal recessive limb-girdle muscular dystrophy type 2J (LGMDR10). Also called: Limb-girdle muscular dystrophy, type 2J; MUSCULAR DYSTROPHY, LIMB-GIRDLE, AUTOSOMAL RECESSIVE 10. Identifiers: Orphanet 140922, MedGen C1837342, MONDO:0012127, OMIM 608807.
Dilated cardiomyopathy 1G (CMD1G). Identifiers: Orphanet 154, MedGen C1858763, MONDO:0011400, OMIM 604145.

Submission:

Labcorp Genetics (formerly Invitae), Labcorp
Classification: Uncertain significance for Dilated cardiomyopathy 1G; Autosomal recessive limb-girdle muscular dystrophy type 2J. Last evaluated: 2024-03-16. Review status: criteria provided, single submitter. Criteria: Invitae Variant Classification Sherloc (09022015). Collection method: clinical testing. Allele origin: germline.
Comment: This sequence change replaces glutamine, which is neutral and polar, with glutamic acid, which is acidic and polar, at codon 34075 of the TTN protein (p.Gln34075Glu). This variant is present in population databases (no rsID available, gnomAD 0.0009%). This variant has not been reported in the literature in individuals affected with TTN-related conditions. Experimental studies and prediction algorithms are not available or were not evaluated, and the functional significance of this variant is currently unknown. This variant is located in the M band of TTN (PMID: 25589632). Non-truncating variants in this region may be relevant for neuromuscular disorders, but have not been definitively shown to cause cardiomyopathy (PMID: 23975875). In summary, the available evidence is currently insufficient to determine the role of this variant in disease. Therefore, it has been classified as a Variant of Uncertain Significance.

Literature cited by the submitters: PubMed 25589632; PubMed 23975875.